The following is an entry in ClinVar:

NM_015512.5(DNAH1):c.304C>T (p.Leu102Phe)

Gene: DNAH1 (dynein axonemal heavy chain 1; plus strand). Cytogenetic location: 3p21.1.
Variant type: single nucleotide variant.
Coding change: c.304C>T on transcript NM_015512.5 (MANE Select); coding-DNA position 304, C replaced by T.
Protein change: p.Leu102Phe; replaces leucine 102 with phenylalanine.
Molecular consequence: missense variant.
Genome position (GRCh38, 1-based): chr3:52,322,746, C>T. VCF-style: chr3-52322746-C-T. GRCh37 (hg19) VCF-style: chr3-52356762-C-T.
Other names: short protein forms L102F.
Identifiers: ClinVar variation 1490517 (VCV001490517.1), dbSNP rs779382795, ClinGen allele CA2432591.
Genomic context (GRCh38, chr3:52,322,746, plus strand): 5'-CTGACAGGCACTGATAAGAAGTACCCGCTGATGAAGCAGCGTGGGTTCTACTCCGACATC[C>T]TCAGCCCTGGAACCTTAGATCAACTTGGGGTGAGTATGGCAGCCATCCCCTACCAAGCCT-3'
Protein context (NP_056327.4, residues 92-112): MKQRGFYSDI[Leu102Phe]SPGTLDQLGE

ClinVar aggregate classification (germline): Uncertain significance (1 of 4 stars; one submission).

Conditions:
Spermatogenic failure 18. Identifiers: MedGen C4539783, MONDO:0054615, OMIM 617576.
Ciliary dyskinesia, primary, 37 (CILD37). Also called: CILIARY DYSKINESIA, PRIMARY, 37, WITH OR WITHOUT SITUS INVERSUS. Identifiers: MedGen C4539798, MONDO:0033204, OMIM 617577.

Allele frequency attached by ClinVar (database versions not stated): gnomAD exomes below 0.00001; TOPMed below 0.00001; ExAC 0.00001.

Submission:

Labcorp Genetics (formerly Invitae), Labcorp
Classification: Uncertain significance for Ciliary dyskinesia, primary, 37; Spermatogenic failure 18. Last evaluated: 2021-11-23. Review status: criteria provided, single submitter. Criteria: Invitae Variant Classification Sherloc (09022015). Collection method: clinical testing. Allele origin: germline.
Comment: This sequence change replaces leucine, which is neutral and non-polar, with phenylalanine, which is neutral and non-polar, at codon 102 of the DNAH1 protein (p.Leu102Phe). The frequency data for this variant in the population databases is considered unreliable, as metrics indicate poor data quality at this position in the gnomAD database. This variant has not been reported in the literature in individuals affected with DNAH1-related conditions. Algorithms developed to predict the effect of missense changes on protein structure and function are either unavailable or do not agree on the potential impact of this missense change (SIFT: "Deleterious"; PolyPhen-2: "Possibly Damaging"; Align-GVGD: "Class C0"). In summary, the available evidence is currently insufficient to determine the role of this variant in disease. Therefore, it has been classified as a Variant of Uncertain Significance.